The following is an entry in ClinVar:

NM_000552.5(VWF):c.7081+1G>A

Gene: VWF (von Willebrand factor; minus strand). Cytogenetic location: 12p13.31.
Variant type: single nucleotide variant.
Coding change: c.7081+1G>A on transcript NM_000552.5 (MANE Select); the canonical splice donor site of the intron after coding-DNA position 7081, G replaced by A.
Molecular consequence: splice donor variant.
Genome position (GRCh38, 1-based): chr12:5,983,149, C>T on the plus strand (G>A on the coding strand, the complement: VWF is on the minus strand). VCF-style: chr12-5983149-C-T. GRCh37 (hg19) VCF-style: chr12-6092315-C-T.
Identifiers: ClinVar variation 2682124 (VCV002682124.1), dbSNP rs112978778, ClinGen allele CA383491716.

ClinVar aggregate classification (germline): Likely pathogenic (1 of 4 stars; one submission).

Allele frequency attached by ClinVar (database versions not stated): gnomAD exomes below 0.00001.
gnomAD v4.1: 1 of 1,613,390 alleles (0.000062%); highest among the groups gnomAD compares: Non-Finnish European, 0.000085%; no homozygotes.

Submission:

Quest Diagnostics Nichols Institute San Juan Capistrano
Classification: Likely pathogenic. Last evaluated: 2023-04-21. Review status: criteria provided, single submitter. Criteria: Quest Diagnostics criteria. Collection method: clinical testing. Allele origin: unknown.
Comment: This variant disrupts a canonical splice-donor site and is predicted to interfere with normal VWF mRNA splicing. The variant has not been reported in individuals with VWF-related diseases in the published literature. The frequency of this variant in the general population, 0.000004 (1/248836 chromosomes), is consistent with pathogenicity. Based on the available information, this variant is classified as likely pathogenic.